The following is an entry in ClinVar:

NM_024426.6(WT1):c.563C>T (p.Pro188Leu)

Genes: WT1 (WT1 transcription factor; minus strand), LOC107982234 (WT1/WT1-AS bi-directional promoter region; plus strand). Cytogenetic location: 11p13.
Variant type: single nucleotide variant.
Coding change: c.563C>T on transcript NM_024426.6 (MANE Select); coding-DNA position 563, C replaced by T.
Protein change: p.Pro188Leu; replaces proline 188 with leucine.
Molecular consequence: missense variant. On other transcripts: non-coding transcript variant (1).
Genome position (GRCh38, 1-based): chr11:32,434,798, G>A on the plus strand (C>T on the coding strand, the complement: WT1 is on the minus strand). VCF-style: chr11-32434798-G-A. GRCh37 (hg19) VCF-style: chr11-32456344-G-A.
Other names: c.563C>T, p.Pro188Leu (NM_000378.6, NM_024424.5); short protein forms P188L.
Identifiers: ClinVar variation 1058243 (VCV001058243.9), dbSNP rs2133102091, ClinGen allele CA379964652.

ClinVar aggregate classification (germline): Uncertain significance (1 of 4 stars; one submission).

Conditions:
Drash syndrome (DDS). Also called: NEPHROPATHY, WILMS TUMOR, AND GENITAL ANOMALIES; WILMS TUMOR AND PSEUDO- OR TRUE HERMAPHRODITISM. Identifiers: Orphanet 220, MedGen C0950121, MONDO:0008682, OMIM 194080.
Frasier syndrome. Identifiers: Orphanet 347, MedGen C0950122, MeSH D052159, MONDO:0007635, OMIM 136680.
Wilms tumor 1 (WT1). Also called: Wilms tumor, somatic. Identifiers: Orphanet 654, MedGen CN033288, MONDO:0008679, OMIM 194070.
11p partial monosomy syndrome (WAGR). Also called: CHROMOSOME 11p13 DELETION SYNDROME; WAGR Spectrum Disorder; WAGR Complex; WAGR syndrome. Identifiers: Orphanet 893, MedGen C0206115, MONDO:0008681, OMIM 194072.

Submission:

Labcorp Genetics (formerly Invitae), Labcorp
Classification: Uncertain significance for Wilms tumor 1; Drash syndrome; 11p partial monosomy syndrome; Frasier syndrome. Last evaluated: 2022-09-26. Review status: criteria provided, single submitter. Criteria: Invitae Variant Classification Sherloc (09022015). Collection method: clinical testing. Allele origin: germline.
Comment: This sequence change replaces proline, which is neutral and non-polar, with leucine, which is neutral and non-polar, at codon 183 of the WT1 protein (p.Pro183Leu). This variant is not present in population databases (gnomAD no frequency). This variant has not been reported in the literature in individuals affected with WT1-related conditions. ClinVar contains an entry for this variant (Variation ID: 1058243). Algorithms developed to predict the effect of missense changes on protein structure and function (SIFT, PolyPhen-2, Align-GVGD) all suggest that this variant is likely to be disruptive. In summary, the available evidence is currently insufficient to determine the role of this variant in disease. Therefore, it has been classified as a Variant of Uncertain Significance.